The following is an entry in ClinVar:

ClinVar aggregate classification (germline): Conflicting classifications of pathogenicity. Review status: criteria provided, conflicting classifications (1 of 4 stars). 7 submissions from 7 submitters: Uncertain significance (5); Benign (1); Likely benign (1). Last evaluated 2026-06-23.

Conditions:
FGFR3-related disorder. Also called: FGFR3-related disorders.
FGFR3-related chondrodysplasia. Identifiers: Orphanet 93420, MedGen C5681604, MONDO:0019685.

Allele frequency attached by ClinVar (database versions not stated): TOPMed 0.00012.
gnomAD v4.1: 146 of 1,612,480 alleles (0.0091%); highest among the groups gnomAD compares: East Asian, 0.016%; no homozygotes.

Submissions (7):

Genomenon, Inc
Classification: Uncertain significance for FGFR3-related chondrodysplasia. Last evaluated: 2026-06-23. Review status: criteria provided, single submitter. Criteria: Genomenon Sequence Variant Interpretation Standards - Updated. Collection method: curation. Allele origin: germline. Affected: no.
Comment: FGFR3 p.Val553Met (c.1657G>A) is a missense variant that changes the amino acid at codon 553 from Valine to Methionine. This variant has been reported in the published literature (PMID:37806643;30355600). It is absent or not present at a significant frequency in gnomAD. In silico models predict that this variant is possibly or probably damaging. In conclusion, we classify FGFR3 p.Val553Met (c.1657G>A) as a variant of uncertain significance.

Labcorp Genetics (formerly Invitae), Labcorp
Classification: Likely benign. Last evaluated: 2025-12-14. Review status: criteria provided, single submitter. Criteria: Invitae Variant Classification Sherloc (09022015). Collection method: clinical testing. Allele origin: germline.

GeneDx
Classification: Uncertain significance. Last evaluated: 2025-07-09. Review status: criteria provided, single submitter. Criteria: GeneDx Variant Classification Process June 2021. Collection method: clinical testing. Allele origin: germline. Affected: yes.
Comment: Identified in a patient with short stature in published literature (PMID: 37806643); In silico analysis supports that this missense variant has a deleterious effect on protein structure/function; This variant is associated with the following publications: (PMID: 34308104, 37806643)

Laboratory of Genetics, Children's Clinical University Hospital Latvia
Classification: Benign. Last evaluated: 2025-02-16. Review status: criteria provided, single submitter. Criteria: ACMG Guidelines, 2015. Collection method: clinical testing. Allele origin: germline. Affected: yes.

PreventionGenetics, part of Exact Sciences
Classification: Uncertain significance for FGFR3-related condition. Last evaluated: 2023-08-22. Review status: criteria provided, single submitter. Criteria: ACMG Guidelines, 2015. Collection method: clinical testing. Allele origin: germline.
Comment: The FGFR3 c.1657G>A variant is predicted to result in the amino acid substitution p.Val553Met. To our knowledge, this variant has not been reported in the literature. This variant is reported in 0.084% of alleles in individuals of European (Finnish) descent in gnomAD. Although we suspect that this variant may be benign, at this time, the clinical significance of this variant is uncertain due to the absence of conclusive functional and genetic evidence.

ARUP Laboratories, Molecular Genetics and Genomics, ARUP Laboratories
Classification: Uncertain significance. Last evaluated: 2018-10-06. Review status: criteria provided, single submitter. Criteria: ARUP Molecular Germline Variant Investigation Process. Collection method: clinical testing. Allele origin: germline.
Comment: The FGFR3 c.1657G>A; p.Val553Met variant (rs199544087), to our knowledge, is not reported in the medical literature or gene specific databases. This variant is found in the Finnish European population with an allele frequency of 0.086% (22/25,666 alleles) in the Genome Aggregation Database. The valine at codon 553 is highly conserved, and computational analyses (SIFT, PolyPhen-2) predict that this variant is deleterious. Due to limited information, the clinical significance of the p.Val553Met variant is uncertain at this time.

Eurofins Ntd Llc (ga)
Classification: Uncertain significance. Last evaluated: 2018-06-29. Review status: criteria provided, single submitter. Criteria: EGL ClinVar v180209 classification definitions. Collection method: clinical testing. Allele origin: germline. Observed: 1 variant allele, 1 heterozygote.

Literature cited by the submitters: PubMed 37682528 (cited by Genomenon, Inc); PubMed 37377403 (cited by Genomenon, Inc); PubMed 30355600 (cited by Genomenon, Inc); PubMed 39690380 (cited by Genomenon, Inc); PubMed 39161208 (cited by Genomenon, Inc); PubMed 39138146 (cited by Genomenon, Inc).

NM_000142.5(FGFR3):c.1657G>A (p.Val553Met)

Gene: FGFR3 (fibroblast growth factor receptor 3; plus strand). Cytogenetic location: 4p16.3.
Variant type: single nucleotide variant.
Coding change: c.1657G>A on transcript NM_000142.5 (MANE Select); coding-DNA position 1657, G replaced by A.
Protein change: p.Val553Met; replaces valine 553 with methionine.
Molecular consequence: missense variant. On other transcripts: non-coding transcript variant (1).
Genome position (GRCh38, 1-based): chr4:1,805,761, G>A. VCF-style: chr4-1805761-G-A. GRCh37 (hg19) VCF-style: chr4-1807488-G-A.
Other names: c.1657G>A (NM_000142.4); c.1663G>A, p.Val555Met (NM_001163213.2); c.1660G>A, p.Val554Met (NM_001354809.2, NM_001354810.2); c.1321G>A, p.Val441Met (NM_022965.4); short protein forms V553M, V555M, V441M, V554M.
Identifiers: ClinVar variation 376216 (VCV000376216.26), dbSNP rs199544087, ClinGen allele CA2810534.
Genomic context (GRCh38, chr4:1,805,761, plus strand): 5'-GGCGGCCCTCCTGGGCCTGGCAGCCCGTCTGAGGAGCCCGTGTCCCCAGGGCCCCTGTAC[G>A]TGCTGGTGGAGTACGCGGCCAAGGGTAACCTGCGGGAGTTTCTGCGGGCGCGGCGGCCCC-3'
Protein context (NP_000133.1, residues 543-563): GACTQGGPLY[Val553Met]LVEYAAKGNL